The following is an entry in ClinVar:

ClinVar aggregate classification (germline): Uncertain significance (1 of 4 stars; one submission).

Conditions:
Inborn genetic diseases. Identifiers: MedGen C0950123, MeSH D030342.

gnomAD v4.1: 1 of 1,614,130 alleles (0.000062%); highest among the groups gnomAD compares: Non-Finnish European, 0.000085%; no homozygotes.

Submission:

Ambry Genetics
Classification: Uncertain significance for Inborn genetic diseases. Last evaluated: 2024-08-24. Review status: criteria provided, single submitter. Criteria: Ambry Variant Classification Scheme 2023. Collection method: clinical testing. Allele origin: germline.
Comment: The p.H737R variant (also known as c.2210A>G), located in coding exon 10 of the ATR gene, results from an A to G substitution at nucleotide position 2210. The histidine at codon 737 is replaced by arginine, an amino acid with highly similar properties. This amino acid position is conserved. In addition, this alteration is predicted to be tolerated by in silico analysis. Based on the available evidence, the clinical significance of this variant remains unclear.

NM_001184.4(ATR):c.2210A>G (p.His737Arg)

Gene: ATR (ATR serine/threonine kinase; minus strand). Cytogenetic location: 3q23.
Variant type: single nucleotide variant.
Coding change: c.2210A>G on transcript NM_001184.4 (MANE Select); coding-DNA position 2210, A replaced by G.
Protein change: p.His737Arg; replaces histidine 737 with arginine.
Molecular consequence: missense variant.
Genome position (GRCh38, 1-based): chr3:142,556,008, T>C on the plus strand (A>G on the coding strand, the complement: ATR is on the minus strand). VCF-style: chr3-142556008-T-C. GRCh37 (hg19) VCF-style: chr3-142274850-T-C.
Other names: c.2018A>G, p.His673Arg (NM_001354579.2); short protein forms H673R, H737R.
Identifiers: ClinVar variation 3462546 (VCV003462546.1).